The following is an entry in ClinVar:

ClinVar aggregate classification (germline): Likely benign. Review status: criteria provided, multiple submitters, no conflicts (2 of 4 stars). 3 submissions from 3 submitters: Likely benign (2). 1 of the submissions does not count toward it. Last evaluated 2025-07-07.

Conditions:
Hereditary breast ovarian cancer syndrome. Also called: Hereditary breast and/or ovarian cancer syndrome; BRCA1- and BRCA2-Associated Hereditary Breast and Ovarian Cancer; Hereditary breast and ovarian cancer syndrome; Hereditary breast and ovarian cancer; Hereditary breast and ovarian cancer syndrome (HBOC); Breast and ovarian cancer. Identifiers: Orphanet 145, MedGen C0677776, MeSH D061325, MONDO:0003582. Disease mechanism: loss of function.
BRCA1-related disorder. Also called: BRCA1-related condition.
Hereditary cancer-predisposing syndrome. Also called: Tumor predisposition; Hereditary Cancer Syndrome; Hereditary neoplastic syndrome; Neoplastic Syndromes, Hereditary. Identifiers: Orphanet 140162, MedGen C0027672, MeSH D009386, MONDO:0015356.

Submissions (4):

Labcorp Genetics (formerly Invitae), Labcorp
Classification: Likely benign for Hereditary breast ovarian cancer syndrome. Last evaluated: 2025-07-07. Review status: criteria provided, single submitter. Criteria: Invitae Variant Classification Sherloc (09022015). Collection method: clinical testing. Allele origin: germline.

Ambry Genetics
Classification: Likely benign for Hereditary cancer-predisposing syndrome. Last evaluated: 2017-09-27. Review status: criteria provided, single submitter. Criteria: Ambry Variant Classification Scheme 2023. Collection method: clinical testing. Allele origin: germline.

PreventionGenetics, part of Exact Sciences
Classification: Likely benign for BRCA1-related condition. Last evaluated: 2024-03-06. Review status: no assertion criteria provided. Collection method: clinical testing. Allele origin: germline. Not counted in ClinVar's aggregate classification.
Comment: This variant is classified as likely benign based on ACMG/AMP sequence variant interpretation guidelines (Richards et al. 2015 PMID: 25741868, with internal and published modifications).

Brotman Baty Institute, University of Washington
No classification provided (evidence only). Condition: Breast-ovarian cancer, familial 1. Review status: no classification provided. Collection method: in vitro. Allele origin: not applicable. Functional consequence: functionally_normal. Not counted in ClinVar's aggregate classification.
ClinVar note: "not provided" was previously submitted as the classification for the variant. However, the classification appeared to be based only on an observation of functional data so it was converted to no classification on 2025-07-30.

NM_007294.4(BRCA1):c.180G>A (p.Gln60=)

Gene: BRCA1 (BRCA1 DNA repair associated; minus strand). Cytogenetic location: 17q21.31.
Variant type: single nucleotide variant.
Coding change: c.180G>A on transcript NM_007294.4 (MANE Select); coding-DNA position 180, G replaced by A.
Protein change: p.Gln60=; no amino-acid change (glutamine 60 retained).
Molecular consequence: synonymous variant. On other transcripts: 5 prime UTR variant (61), intron variant (34).
Genome position (GRCh38, 1-based): chr17:43,106,488, C>T on the plus strand (G>A on the coding strand, the complement: BRCA1 is on the minus strand). VCF-style: chr17-43106488-C-T. GRCh37 (hg19) VCF-style: chr17-41258505-C-T.
Other names: c.39G>A, p.Gln13= (NM_001407932.1, NM_001407933.1, NM_001407934.1 and 99 more transcripts); c.180G>A, p.Gln60= (NM_001407937.1, NM_001407938.1, NM_001407939.1 and 168 more transcripts); c.-9G>A (NM_001407946.1, NM_001407947.1, NM_001407948.1 and 58 more transcripts); c.-218-11628G>A (NM_001407967.1, NM_001407966.1); c.-169-1532G>A (NM_001407959.1, NM_001407962.1, NM_001408512.1 and 4 more transcripts); c.81-1532G>A (NM_001408451.1); c.135-1532G>A (NM_001408475.1, NM_001407875.1, NM_001407659.1 and 21 more transcripts).
Identifiers: ClinVar variation 867308 (VCV000867308.7), dbSNP rs2054781252, ClinGen allele CA500128140.
Genomic context (GRCh38, chr17:43,106,488, plus strand): 5'-AACCTAGCATCATTACCAAATTATATACCTTTTGGTTATATCATTCTTACATAAAGGACA[C>T]TGTGAAGGCCCTTTCTTCTGGTTGAGAAGTTTCAGCATGCAAAATCTATAAATTATAAAG-3'
Protein context (NP_009225.1, residues 50-70): KLLNQKKGPS[Gln60=]CPLCKNDITK